The following is an entry in ClinVar:

ClinVar aggregate classification (germline): Uncertain significance (1 of 4 stars; one submission).

Conditions:
Developmental and epileptic encephalopathy 89. Identifiers: MedGen C5436853, MONDO:0030856, OMIM 619124.

Submission:

Neuberg Centre For Genomic Medicine, NCGM
Classification: Uncertain significance for Developmental and epileptic encephalopathy 89. Last evaluated: 2023-06-22. Review status: criteria provided, single submitter. Criteria: ACMG Guidelines, 2015. Collection method: clinical testing. Allele origin: germline. Inheritance: Autosomal dominant inheritance. Affected: yes.
Comment: The missense variant c.938G>A (p.Cys313Tyr) in the GAD1 gene has not been reported previously as a pathogenic variant nor as a benign variant, to our knowledge. This variant is absent in the gnomAD Exomes. The amino acid Cys at position 313 is changed to a Tyr changing protein sequence and it might alter its composition and physico-chemical properties. Multiple lines of computational evidence (Polyphen - Damaging, SIFT - Damaging and MutationTaster - Disease causing) predict a damaging effect on protein structure and function for this variant. The amino acid change p.Cys313Tyr in GAD1 is predicted as conserved by GERP++ and PhyloP across 100 vertebrates. For these reasons, this variant has been classified as Uncertain Significance.

NM_000817.3(GAD1):c.938G>A (p.Cys313Tyr)

Gene: GAD1 (glutamate decarboxylase 1; plus strand). Cytogenetic location: 2q31.1.
Variant type: single nucleotide variant.
Coding change: c.938G>A on transcript NM_000817.3 (MANE Select); coding-DNA position 938, G replaced by A.
Protein change: p.Cys313Tyr; replaces cysteine 313 with tyrosine.
Molecular consequence: missense variant.
Genome position (GRCh38, 1-based): chr2:170,845,776, G>A. VCF-style: chr2-170845776-G-A. GRCh37 (hg19) VCF-style: chr2-171702286-G-A.
Other names: short protein forms C313Y.
Identifiers: ClinVar variation 3731519 (VCV003731519.1).